The following is an entry in ClinVar:

NM_001378454.1(ALMS1):c.7713A>G (p.Glu2571=)

Gene: ALMS1 (ALMS1 centrosome and basal body associated protein; plus strand). Cytogenetic location: 2p13.1.
Variant type: single nucleotide variant.
Coding change: c.7713A>G on transcript NM_001378454.1 (MANE Select); coding-DNA position 7713, A replaced by G.
Protein change: p.Glu2571=; no amino-acid change (glutamic acid 2571 retained).
Molecular consequence: synonymous variant.
Genome position (GRCh38, 1-based): chr2:73,489,672, A>G. VCF-style: chr2-73489672-A-G. GRCh37 (hg19) VCF-style: chr2-73716799-A-G.
Other names: c.7716A>G, p.Glu2572= (NM_015120.4).
Identifiers: ClinVar variation 2148029 (VCV002148029.5), dbSNP rs2466212191, ClinGen allele CA426765294.

ClinVar aggregate classification (germline): Likely benign. Review status: criteria provided, multiple submitters, no conflicts (2 of 4 stars). 2 submissions from 2 submitters: Likely benign (2). Last evaluated 2023-11-10.

Conditions:
Alstrom syndrome (ALMS). Identifiers: Orphanet 64, MedGen C0268425, MONDO:0008763, OMIM 203800.
ALMS1-related disorder. Also called: ALMS1-related condition.

Submissions (2):

PreventionGenetics, part of Exact Sciences
Classification: Likely benign for ALMS1-related condition. Last evaluated: 2023-11-10. Review status: criteria provided, single submitter. Criteria: ACMG Guidelines, 2015. Collection method: clinical testing. Allele origin: germline.
Comment: This variant is classified as likely benign based on ACMG/AMP sequence variant interpretation guidelines (Richards et al. 2015 PMID: 25741868, with internal and published modifications).

Labcorp Genetics (formerly Invitae), Labcorp
Classification: Likely benign for Alstrom syndrome. Last evaluated: 2023-09-08. Review status: criteria provided, single submitter. Criteria: Invitae Variant Classification Sherloc (09022015). Collection method: clinical testing. Allele origin: germline.